The following is an entry in ClinVar:

ClinVar aggregate classification (germline): Uncertain significance (1 of 4 stars; one submission).

gnomAD v4.1: 3 of 1,612,506 alleles (0.00019%); highest among the groups gnomAD compares: Non-Finnish European, 0.00025%; no homozygotes.

Submission:

Women's Health and Genetics/Laboratory Corporation of America, LabCorp
Classification: Uncertain significance. Last evaluated: 2024-06-13. Review status: criteria provided, single submitter. Criteria: LabCorp Variant Classification Summary - May 2015. Collection method: clinical testing. Allele origin: germline.
Comment: Variant summary: RDH12 c.454T>A (p.Phe152Ile) results in a non-conservative amino acid change in the encoded protein sequence. Five of five in-silico tools predict a damaging effect of the variant on protein function. The variant was absent in 251264 control chromosomes. c.454T>A has been reported in the literature in a homozygous individual affected with Leber Congenital Amaurosis (Mackay_2011). These data indicate that the variant may be associated with disease. To our knowledge, no experimental evidence demonstrating an impact on protein function has been reported. The following publication have been ascertained in the context of this evaluation (PMID: 22065924). No submitters have cited clinical-significance assessments for this variant to ClinVar. Based on the evidence outlined above, the variant was classified as VUS-possibly pathogenic.

Literature cited by the submitters: PubMed 22065924.

NM_152443.3(RDH12):c.454T>A (p.Phe152Ile)

Genes: GPHN (gephyrin; plus strand), RDH12 (retinol dehydrogenase 12; plus strand). Cytogenetic location: 14q24.1.
Variant type: single nucleotide variant.
Coding change: c.454T>A on transcript NM_152443.3 (MANE Select); coding-DNA position 454, T replaced by A.
Protein change: p.Phe152Ile; replaces phenylalanine 152 with isoleucine.
Molecular consequence: missense variant.
Genome position (GRCh38, 1-based): chr14:67,726,986, T>A. VCF-style: chr14-67726986-T-A. GRCh37 (hg19) VCF-style: chr14-68193703-T-A.
Other names: short protein forms F152I.
Identifiers: ClinVar variation 3339527 (VCV003339527.1).
Genomic context (GRCh38, chr14:67,726,986, plus strand): 5'-GCTGAGCCTGGGCTGTCATTCCACTTTCAATCTTCCCTGCTGGCTCTCCTCACAGGCCAC[T>A]TCCTCCTCACCTACCTGCTCCTGGAGCGGCTAAAGGTGTCTGCCCCTGCACGGGTGGTTA-3'
Protein context (NP_689656.2, residues 142-162): THLGVNHLGH[Phe152Ile]LLTYLLLERL